The following is an entry in ClinVar:

NM_001458.5(FLNC):c.1927A>G (p.Ile643Val)

Gene: FLNC (filamin C; plus strand). Cytogenetic location: 7q32.1.
Variant type: single nucleotide variant.
Coding change: c.1927A>G on transcript NM_001458.5 (MANE Select); coding-DNA position 1927, A replaced by G.
Protein change: p.Ile643Val; replaces isoleucine 643 with valine.
Molecular consequence: missense variant.
Genome position (GRCh38, 1-based): chr7:128,841,283, A>G. VCF-style: chr7-128841283-A-G. GRCh37 (hg19) VCF-style: chr7-128481337-A-G.
Other names: c.1927A>G, p.Ile643Val (NM_001127487.2); short protein forms I643V.
Identifiers: ClinVar variation 1349550 (VCV001349550.8), dbSNP rs1808322583, ClinGen allele CA369227380.
Genomic context (GRCh38, chr7:128,841,283, plus strand): 5'-GATGGCTCCTGCGATGTGCGGTACTGGCCCACGGAGCCTGGGGAGTACGCTGTGCACGTC[A>G]TCTGTGACGATGAGGACATCCGAGACTCACCCTTCATTGCCCACATCCTGCCCGCCCCAC-3'
Protein context (NP_001449.3, residues 633-653): TEPGEYAVHV[Ile643Val]CDDEDIRDSP

ClinVar aggregate classification (germline): Uncertain significance (1 of 4 stars; one submission).

Conditions:
Myofibrillar myopathy 5. Also called: Filaminopathy (type); FILAMINOPATHY, AUTOSOMAL DOMINANT. Identifiers: Orphanet 171445, MedGen C1836050, MONDO:0012289, OMIM 609524.
Distal myopathy with posterior leg and anterior hand involvement. Also called: WILLIAMS DISTAL MYOPATHY. Identifiers: Orphanet 63273, MedGen C3279722, MONDO:0013550, OMIM 614065.
Hypertrophic cardiomyopathy 26. Also called: Cardiomyopathy, familial hypertrophic, 26. Identifiers: Orphanet 75249, MedGen C4310749, MONDO:0014883, OMIM 617047.

Allele frequency attached by ClinVar (database versions not stated): gnomAD exomes below 0.00001; TOPMed below 0.00001.
gnomAD v4.1: 2 of 1,614,050 alleles (0.00012%); highest among the groups gnomAD compares: Non-Finnish European, 0.000085%; no homozygotes.

Submission:

Labcorp Genetics (formerly Invitae), Labcorp
Classification: Uncertain significance for Distal myopathy with posterior leg and anterior hand involvement; Myofibrillar myopathy 5; Hypertrophic cardiomyopathy 26. Last evaluated: 2021-01-08. Review status: criteria provided, single submitter. Criteria: Invitae Variant Classification Sherloc (09022015). Collection method: clinical testing. Allele origin: germline.
Comment: In summary, the available evidence is currently insufficient to determine the role of this variant in disease. Therefore, it has been classified as a Variant of Uncertain Significance. Algorithms developed to predict the effect of missense changes on protein structure and function (SIFT, PolyPhen-2, Align-GVGD) all suggest that this variant is likely to be tolerated, but these predictions have not been confirmed by published functional studies and their clinical significance is uncertain. This variant has not been reported in the literature in individuals with FLNC-related conditions. This variant is not present in population databases (ExAC no frequency). This sequence change replaces isoleucine with valine at codon 643 of the FLNC protein (p.Ile643Val). The isoleucine residue is moderately conserved and there is a small physicochemical difference between isoleucine and valine.